The following is an entry in ClinVar:

ClinVar aggregate classification (germline): Likely pathogenic (1 of 4 stars; one submission).

Conditions:
Multiple acyl-CoA dehydrogenase deficiency (MADD). Also called: Glutaric acidemia type II; GA 2; Glutaric aciduria, type 2; ETHYLMALONIC-ADIPICACIDURIA; GA II; Glutaric Acidemia type 2. Identifiers: Orphanet 26791, MedGen C0268596, MONDO:0009282, OMIM 231680.

Submission:

Labcorp Genetics (formerly Invitae), Labcorp
Classification: Likely pathogenic for Multiple acyl-CoA dehydrogenase deficiency. Last evaluated: 2021-10-17. Review status: criteria provided, single submitter. Criteria: Invitae Variant Classification Sherloc (09022015). Collection method: clinical testing. Allele origin: germline.
Comment: In summary, the currently available evidence indicates that the variant is pathogenic, but additional data are needed to prove that conclusively. Therefore, this variant has been classified as Likely Pathogenic. This variant disrupts the p.Pro456 amino acid residue in ETFDH. Other variant(s) that disrupt this residue have been determined to be pathogenic (PMID: 12359134, 17412732, 17584774, 23727839, 26403312). This suggests that this residue is clinically significant, and that variants that disrupt this residue are likely to be disease-causing. Advanced modeling of protein sequence and biophysical properties (such as structural, functional, and spatial information, amino acid conservation, physicochemical variation, residue mobility, and thermodynamic stability) performed at Invitae indicates that this missense variant is expected to disrupt ETFDH protein function. This variant has not been reported in the literature in individuals affected with ETFDH-related conditions. This variant is not present in population databases (ExAC no frequency). This sequence change replaces proline with alanine at codon 456 of the ETFDH protein (p.Pro456Ala). The proline residue is highly conserved and there is a small physicochemical difference between proline and alanine.

Literature cited by the submitters: PubMed 12359134; PubMed 17412732; PubMed 17584774; PubMed 23727839; PubMed 26403312.

NM_004453.4(ETFDH):c.1366C>G (p.Pro456Ala)

Gene: ETFDH (electron transfer flavoprotein dehydrogenase; plus strand). Cytogenetic location: 4q32.1.
Variant type: single nucleotide variant.
Coding change: c.1366C>G on transcript NM_004453.4 (MANE Select); coding-DNA position 1366, C replaced by G.
Protein change: p.Pro456Ala; replaces proline 456 with alanine.
Molecular consequence: missense variant.
Genome position (GRCh38, 1-based): chr4:158,706,269, C>G. VCF-style: chr4-158706269-C-G. GRCh37 (hg19) VCF-style: chr4-159627421-C-G.
Other names: c.1225C>G, p.Pro409Ala (NM_001281737.2); c.1183C>G, p.Pro395Ala (NM_001281738.1); short protein forms P456A, P395A, P409A.
Identifiers: ClinVar variation 1494930 (VCV001494930.6), dbSNP rs751821289, ClinGen allele CA358563996.